The following is an entry in ClinVar:

NM_018979.4(WNK1):c.2373+4A>C

Gene: WNK1 (WNK lysine deficient protein kinase 1; plus strand). Cytogenetic location: 12p13.33.
Variant type: single nucleotide variant.
Coding change: c.2373+4A>C on transcript NM_018979.4 (MANE Select); 4 bases into the intron after coding-DNA position 2373, A replaced by C.
Molecular consequence: intron variant.
Genome position (GRCh38, 1-based): chr12:878,365, A>C. VCF-style: chr12-878365-A-C. GRCh37 (hg19) VCF-style: chr12-987531-A-C.
Other names: c.3867+4A>C (NM_213655.5); c.3612+4A>C (NM_001184985.2); c.2370+4A>C (NM_014823.3).
Identifiers: ClinVar variation 959610 (VCV000959610.9), dbSNP rs1265959857, ClinGen allele CA602646517.

ClinVar aggregate classification (germline): Uncertain significance. Review status: criteria provided, multiple submitters, no conflicts (2 of 4 stars). 2 submissions from 2 submitters: Uncertain significance (2). Last evaluated 2020-12-22.

Conditions:
Inborn genetic diseases. Identifiers: MedGen C0950123, MeSH D030342.
Neuropathy, hereditary sensory and autonomic, type 2A (HSAN2A). Also called: ACROOSTEOLYSIS, GIACCAI TYPE; ACROOSTEOLYSIS, NEUROGENIC; WNK1-Related HSAN2 (HSAN2A); HSAN IIA; MORVAN DISEASE; NEUROPATHY, CONGENITAL SENSORY. Identifiers: Orphanet 970, MedGen C2752089, MONDO:0024309, OMIM 201300.
Pseudohypoaldosteronism type 2C (PHA2C). Also called: Pseudohypoaldosteronism Type IIC. Identifiers: Orphanet 757, Orphanet 88940, MedGen C1840391, MONDO:0013778, OMIM 614492.

Allele frequency attached by ClinVar (database versions not stated): gnomAD exomes below 0.00001.
gnomAD v4.1: 1 of 1,556,860 alleles (0.000064%); highest among the groups gnomAD compares: South Asian, 0.0011%; no homozygotes.

Submissions (2):

Ambry Genetics
Classification: Uncertain significance for Inborn genetic diseases. Last evaluated: 2020-12-22. Review status: criteria provided, single submitter. Criteria: Ambry Variant Classification Scheme 2023. Collection method: clinical testing. Allele origin: germline.
Comment: The c.3867+4A>C intronic variant results from an A to C substitution 4 nucleotides after coding exon 12 in the WNK1 gene. This nucleotide position is well conserved in available vertebrate species. In silico splice site analysis predicts that this alteration will not have any significant effect on splicing. Since supporting evidence is limited at this time, the clinical significance of this alteration remains unclear.

Labcorp Genetics (formerly Invitae), Labcorp
Classification: Uncertain significance for Neuropathy, hereditary sensory and autonomic, type 2A; Pseudohypoaldosteronism type 2C. Last evaluated: 2019-10-25. Review status: criteria provided, single submitter. Criteria: Invitae Variant Classification Sherloc (09022015). Collection method: clinical testing. Allele origin: germline.
Comment: In summary, the available evidence is currently insufficient to determine the role of this variant in disease. Therefore, it has been classified as a Variant of Uncertain Significance. Nucleotide substitutions within the consensus splice site are a relatively common cause of aberrant splicing (PMID: 17576681, 9536098). This variant has not been reported in the literature in individuals with WNK1-related conditions. This variant is not present in population databases (ExAC no frequency). This sequence change falls in intron 12 of the WNK1 gene. It does not directly change the encoded amino acid sequence of the WNK1 protein, but it affects a nucleotide within the consensus splice site of the intron.

Literature cited by the submitters: PubMed 17576681 (cited by Labcorp Genetics (formerly Invitae), Labcorp); PubMed 9536098 (cited by Labcorp Genetics (formerly Invitae), Labcorp).